The following is an entry in ClinVar:

ClinVar aggregate classification (germline): Uncertain significance (1 of 4 stars; one submission).

Conditions:
Lethal multiple pterygium syndrome (LMPS). Identifiers: Orphanet 33108, MedGen C1854678, MONDO:0009668, OMIM 253290.

Submission:

Labcorp Genetics (formerly Invitae), Labcorp
Classification: Uncertain significance for Lethal multiple pterygium syndrome. Last evaluated: 2024-05-15. Review status: criteria provided, single submitter. Criteria: Invitae Variant Classification Sherloc (09022015). Collection method: clinical testing. Allele origin: germline.
Comment: This sequence change replaces alanine, which is neutral and non-polar, with serine, which is neutral and polar, at codon 142 of the CHRNA1 protein (p.Ala142Ser). This variant is not present in population databases (gnomAD no frequency). This variant has not been reported in the literature in individuals affected with CHRNA1-related conditions. Advanced modeling of protein sequence and biophysical properties (such as structural, functional, and spatial information, amino acid conservation, physicochemical variation, residue mobility, and thermodynamic stability) performed at Invitae indicates that this missense variant is not expected to disrupt CHRNA1 protein function with a negative predictive value of 80%. In summary, the available evidence is currently insufficient to determine the role of this variant in disease. Therefore, it has been classified as a Variant of Uncertain Significance.

NM_000079.4(CHRNA1):c.424G>T (p.Ala142Ser)

Gene: CHRNA1 (cholinergic receptor nicotinic alpha 1 subunit; minus strand). Cytogenetic location: 2q31.1.
Variant type: single nucleotide variant.
Coding change: c.424G>T on transcript NM_000079.4 (MANE Select); coding-DNA position 424, G replaced by T.
Protein change: p.Ala142Ser; replaces alanine 142 with serine.
Molecular consequence: missense variant.
Genome position (GRCh38, 1-based): chr2:174,754,335, C>A on the plus strand (G>T on the coding strand, the complement: CHRNA1 is on the minus strand). VCF-style: chr2-174754335-C-A. GRCh37 (hg19) VCF-style: chr2-175619063-C-A.
Other names: c.499G>T, p.Ala167Ser (NM_001039523.3); short protein forms A167S, A142S.
Identifiers: ClinVar variation 2811355 (VCV002811355.3), dbSNP rs1424077317, ClinGen allele CA349341409.